The following is an entry in ClinVar:

ClinVar aggregate classification (germline): Uncertain significance. Review status: criteria provided, multiple submitters, no conflicts (2 of 4 stars). 3 submissions from 3 submitters: Uncertain significance (3). Last evaluated 2023-01-15.

Conditions:
Inborn genetic diseases. Identifiers: MedGen C0950123, MeSH D030342.

Allele frequency attached by ClinVar (database versions not stated): gnomAD exomes below 0.00001; gnomAD 0.00002 and 0.00003; TOPMed 0.00002.
gnomAD v4.1: 31 of 1,613,354 alleles (0.0019%); highest among the groups gnomAD compares: Non-Finnish European, 0.0025%; no homozygotes.

Submissions (3):

Labcorp Genetics (formerly Invitae), Labcorp
Classification: Uncertain significance. Last evaluated: 2023-01-15. Review status: criteria provided, single submitter. Criteria: Invitae Variant Classification Sherloc (09022015). Collection method: clinical testing. Allele origin: germline.
Comment: In summary, the available evidence is currently insufficient to determine the role of this variant in disease. Therefore, it has been classified as a Variant of Uncertain Significance. Advanced modeling of protein sequence and biophysical properties (such as structural, functional, and spatial information, amino acid conservation, physicochemical variation, residue mobility, and thermodynamic stability) performed at Invitae indicates that this missense variant is not expected to disrupt ZNF335 protein function. ClinVar contains an entry for this variant (Variation ID: 374468). This variant has not been reported in the literature in individuals affected with ZNF335-related conditions. This variant is present in population databases (no rsID available, gnomAD 0.002%). This sequence change replaces leucine, which is neutral and non-polar, with isoleucine, which is neutral and non-polar, at codon 168 of the ZNF335 protein (p.Leu168Ile).

Ambry Genetics
Classification: Uncertain significance for Inborn genetic diseases. Last evaluated: 2022-11-21. Review status: criteria provided, single submitter. Criteria: Ambry Variant Classification Scheme 2023. Collection method: clinical testing. Allele origin: germline.

CeGaT Center for Human Genetics Tuebingen
Classification: Uncertain significance. Last evaluated: 2016-08-01. Review status: criteria provided, single submitter. Criteria: CeGaT Center For Human Genetics Tuebingen Variant Classification Criteria Version 2. Collection method: clinical testing. Allele origin: germline. Affected: yes. Observed: 1 variant allele.

NM_022095.4(ZNF335):c.502C>A (p.Leu168Ile)

Gene: ZNF335 (zinc finger protein 335; minus strand). Cytogenetic location: 20q13.12.
Variant type: single nucleotide variant.
Coding change: c.502C>A on transcript NM_022095.4 (MANE Select); coding-DNA position 502, C replaced by A.
Protein change: p.Leu168Ile; replaces leucine 168 with isoleucine.
Molecular consequence: missense variant.
Genome position (GRCh38, 1-based): chr20:45,968,303, G>T on the plus strand (C>A on the coding strand, the complement: ZNF335 is on the minus strand). VCF-style: chr20-45968303-G-T. GRCh37 (hg19) VCF-style: chr20-44596942-G-T.
Other names: c.502C>A (NM_022095.3); short protein forms L168I.
Identifiers: ClinVar variation 374468 (VCV000374468.48), dbSNP rs1057519114, ClinGen allele CA16043750.
Genomic context (GRCh38, chr20:45,968,303, plus strand): 5'-GCCCACTGCAGGCCTCCCCGATTCTGGCACCTGGGGTCTTACCATCATCTGGGCCCTGTA[G>T]GATCAGGTACCGTGTGGTCTCGGCCCCGCCATCCTCAGCACTGGTCACAGTGATGCAGTC-3'
Protein context (NP_071378.1, residues 158-178): GGAETTRYLI[Leu168Ile]QGPDDGAPMT